The following is an entry in ClinVar:

NC_000023.11:g.101841766G>A

Gene: NXF5 (nuclear RNA export factor 5; minus strand). Cytogenetic location: Xq22.1.
Variant type: single nucleotide variant.
Molecular consequence: non-coding transcript variant (on NR_028089.1).
Genome position: GRCh38 VCF-style: chrX-101841766-G-A. GRCh37 (hg19) VCF-style: chrX-101096738-G-A.
Identifiers: ClinVar variation 2978345 (VCV002978345.3), dbSNP rs751026383, ClinGen allele CA10474716.

ClinVar aggregate classification (germline): Uncertain significance (1 of 4 stars; one submission).

Allele frequency attached by ClinVar (database versions not stated): ExAC 0.00001; TOPMed 0.00003; gnomAD 0.00005.

Submission:

Labcorp Genetics (formerly Invitae), Labcorp
Classification: Uncertain significance. Last evaluated: 2023-02-27. Review status: criteria provided, single submitter. Criteria: Invitae Variant Classification Sherloc (09022015). Collection method: clinical testing. Allele origin: germline.
Comment: This sequence change creates a premature translational stop signal (p.Arg50*) in the NXF5 gene. It is expected to result in an absent or disrupted protein product. However, the current clinical and genetic evidence is not sufficient to establish whether loss-of-function variants in NXF5 cause disease. In summary, the available evidence is currently insufficient to determine the role of this variant in disease. Therefore, it has been classified as a Variant of Uncertain Significance. Algorithms developed to predict the effect of sequence changes on RNA splicing suggest that this variant may disrupt the consensus splice site. This variant has not been reported in the literature in individuals affected with NXF5-related conditions. This variant is present in population databases (rs751026383, gnomAD 0.006%).